The following is an entry in ClinVar:

ClinVar aggregate classification (germline): Likely pathogenic (1 of 4 stars; one submission).

Conditions:
Mucopolysaccharidosis, MPS-IV-A (MPS4A). Also called: Mucopolysaccharidosis type IV A; Mucopolysaccharidosis Type IVA; Morquio syndrome A, mild; MORQUIO SYNDROME A; GALACTOSAMINE-6-SULFATASE DEFICIENCY; GALNS DEFICIENCY. Identifiers: Orphanet 309297, Orphanet 582, MedGen C0086651, MONDO:0009659, OMIM 253000.

Allele frequency attached by ClinVar (database versions not stated): gnomAD exomes below 0.00001.
gnomAD v4.1: 2 of 1,584,594 alleles (0.00013%); highest among the groups gnomAD compares: South Asian, 0.0011%; no homozygotes.

Submission:

Labcorp Genetics (formerly Invitae), Labcorp
Classification: Likely pathogenic for Mucopolysaccharidosis, MPS-IV-A. Last evaluated: 2023-09-03. Review status: criteria provided, single submitter. Criteria: Invitae Variant Classification Sherloc (09022015). Collection method: clinical testing. Allele origin: germline.
Comment: This sequence change replaces glycine, which is neutral and non-polar, with serine, which is neutral and polar, at codon 340 of the GALNS protein (p.Gly340Ser). In summary, the currently available evidence indicates that the variant is pathogenic, but additional data are needed to prove that conclusively. Therefore, this variant has been classified as Likely Pathogenic. This variant disrupts the p.Gly340 amino acid residue in GALNS. Other variant(s) that disrupt this residue have been determined to be pathogenic (PMID: 15235041, 20574428, 30458289, 30980944). This suggests that this residue is clinically significant, and that variants that disrupt this residue are likely to be disease-causing. Advanced modeling of protein sequence and biophysical properties (such as structural, functional, and spatial information, amino acid conservation, physicochemical variation, residue mobility, and thermodynamic stability) performed at Invitae indicates that this missense variant is expected to disrupt GALNS protein function. This variant has not been reported in the literature in individuals affected with GALNS-related conditions. This variant is not present in population databases (gnomAD no frequency).

Literature cited by the submitters: PubMed 15235041; PubMed 20574428; PubMed 30458289; PubMed 30980944.

NM_000512.5(GALNS):c.1018G>A (p.Gly340Ser)

Gene: GALNS (galactosamine (N-acetyl)-6-sulfatase; minus strand). Cytogenetic location: 16q24.3.
Variant type: single nucleotide variant.
Coding change: c.1018G>A on transcript NM_000512.5 (MANE Select); coding-DNA position 1018, G replaced by A.
Protein change: p.Gly340Ser; replaces glycine 340 with serine.
Molecular consequence: missense variant.
Genome position (GRCh38, 1-based): chr16:88,826,823, C>T on the plus strand (G>A on the coding strand, the complement: GALNS is on the minus strand). VCF-style: chr16-88826823-C-T. GRCh37 (hg19) VCF-style: chr16-88893231-C-T.
Other names: c.463G>A, p.Gly155Ser (NM_001323543.2); c.1036G>A, p.Gly346Ser (NM_001323544.2); short protein forms G346S, G340S, G155S.
Identifiers: ClinVar variation 2862710 (VCV002862710.3), dbSNP rs2543477767, ClinGen allele CA397098643.
Genomic context (GRCh38, chr16:88,826,823, plus strand): 5'-CGCTGGGCGGCGTCAGGCCCGCAAGGGCCAGGCTGGTGGTGAAGAGGTCCATGATGCTGC[C>T]CAGCTGGTGGCTCACCTGAAACACATGGCAGCAACACGGTCAGGGCACTCTGCACCGACC-3'
Protein context (NP_000503.1, residues 330-350): VTAGQVSHQL[Gly340Ser]SIMDLFTTSL